The following is an entry in ClinVar:

ClinVar aggregate classification (germline): Uncertain significance. Review status: criteria provided, multiple submitters, no conflicts (2 of 4 stars). 2 submissions from 2 submitters: Uncertain significance (2). Last evaluated 2025-05-23.

Conditions:
Hereditary cancer-predisposing syndrome. Also called: Hereditary Cancer Syndrome; Tumor predisposition; Hereditary neoplastic syndrome; Neoplastic Syndromes, Hereditary. Identifiers: Orphanet 140162, MedGen C0027672, MeSH D009386, MONDO:0015356.

Allele frequency attached by ClinVar (database versions not stated): gnomAD exomes below 0.00001.
gnomAD v4.1: 1 of 1,614,198 alleles (0.000062%); highest among the groups gnomAD compares: East Asian, 0.0022%; no homozygotes.

Submissions (2):

Ambry Genetics
Classification: Uncertain significance for Hereditary cancer-predisposing syndrome. Last evaluated: 2025-05-23. Review status: criteria provided, single submitter. Criteria: Ambry Variant Classification Scheme 2023. Collection method: clinical testing. Allele origin: germline.

Labcorp Genetics (formerly Invitae), Labcorp
Classification: Uncertain significance. Last evaluated: 2025-04-17. Review status: criteria provided, single submitter. Criteria: Invitae Variant Classification Sherloc (09022015). Collection method: clinical testing. Allele origin: germline.
Comment: This sequence change replaces alanine, which is neutral and non-polar, with aspartic acid, which is acidic and polar, at codon 503 of the POLE protein (p.Ala503Asp). This variant is not present in population databases (gnomAD no frequency). This variant has not been reported in the literature in individuals affected with POLE-related conditions. ClinVar contains an entry for this variant (Variation ID: 1043172). Invitae Evidence Modeling of protein sequence and biophysical properties (such as structural, functional, and spatial information, amino acid conservation, physicochemical variation, residue mobility, and thermodynamic stability) indicates that this missense variant is expected to disrupt POLE protein function with a positive predictive value of 80%. In summary, the available evidence is currently insufficient to determine the role of this variant in disease. Therefore, it has been classified as a Variant of Uncertain Significance.

NM_006231.4(POLE):c.1508C>A (p.Ala503Asp)

Gene: POLE (DNA polymerase epsilon, catalytic subunit; minus strand). Cytogenetic location: 12q24.33.
Variant type: single nucleotide variant.
Coding change: c.1508C>A on transcript NM_006231.4 (MANE Select); coding-DNA position 1508, C replaced by A.
Protein change: p.Ala503Asp; replaces alanine 503 with aspartic acid.
Molecular consequence: missense variant.
Genome position (GRCh38, 1-based): chr12:132,672,805, G>T on the plus strand (C>A on the coding strand, the complement: POLE is on the minus strand). VCF-style: chr12-132672805-G-T. GRCh37 (hg19) VCF-style: chr12-133249391-G-T.
Other names: c.1508C>A (NM_006231.2); short protein forms A503D.
Identifiers: ClinVar variation 1043172 (VCV001043172.8), dbSNP rs1565971932, ClinGen allele CA387357545.